The following is an entry in ClinVar:

ClinVar aggregate classification (germline): Uncertain significance. Review status: criteria provided, multiple submitters, no conflicts (2 of 4 stars). 6 submissions from 6 submitters: Uncertain significance (6). Last evaluated 2026-09-15.

Conditions:
ABCG8-related disorder. Also called: ABCG8-related condition.
Sitosterolemia 1. Identifiers: MedGen C2749759, MONDO:0020747, OMIM 210250.
Cardiovascular phenotype. Identifiers: MedGen CN230736.

Allele frequency attached by ClinVar (database versions not stated): gnomAD exomes 0.00004 and 0.00016; ExAC 0.00007; gnomAD 0.00016.
gnomAD v4.1: 84 of 1,611,060 alleles (0.0052%); highest among the groups gnomAD compares: Admixed American, 0.14%; no homozygotes.

Submissions (6):

PreventionGenetics, part of Exact Sciences
Classification: Uncertain significance for ABCG8-related condition. Last evaluated: 2026-09-15. Review status: criteria provided, single submitter. Criteria: ACMG Guidelines, 2015. Collection method: clinical testing. Allele origin: germline.
Comment: The ABCG8 c.1486A>G variant is predicted to result in the amino acid substitution p.Lys496Glu. To our knowledge, this variant has not been reported in the literature. Of note, a different missense variant at the same residue (p.Lys496Asn) was reported in a familial hypercholesterolemia cohort (Supplementary Table 4, Reeskamp et al. 2020. PubMed ID: 32088153). This variant is reported in 0.11% of alleles in individuals of Latino descent in gnomAD v2 (as displayed in the table above). However, in gnomAD v4 (available only on GRCh38), this variant is reported in 0.14% of alleles in the Admixed American population, which may be too common to be an undocumented pathogenic variant. Although we suspect that this variant may be benign, at this time, the clinical significance of this variant is uncertain due to the absence of conclusive functional and genetic evidence.

Revvity Omics, Revvity
Classification: Uncertain significance for Sitosterolemia 1. Last evaluated: 2024-07-23. Review status: criteria provided, single submitter. Criteria: ACMG Guidelines, 2015. Collection method: clinical testing. Allele origin: germline.

Ambry Genetics
Classification: Uncertain significance for Cardiovascular phenotype. Last evaluated: 2024-04-17. Review status: criteria provided, single submitter. Criteria: Ambry Variant Classification Scheme 2023. Collection method: clinical testing. Allele origin: germline.

Labcorp Genetics (formerly Invitae), Labcorp
Classification: Uncertain significance. Last evaluated: 2022-08-22. Review status: criteria provided, single submitter. Criteria: Invitae Variant Classification Sherloc (09022015). Collection method: clinical testing. Allele origin: germline.
Comment: This sequence change replaces lysine, which is basic and polar, with glutamic acid, which is acidic and polar, at codon 496 of the ABCG8 protein (p.Lys496Glu). This variant is present in population databases (rs762225826, gnomAD 0.1%). This variant has not been reported in the literature in individuals affected with ABCG8-related conditions. ClinVar contains an entry for this variant (Variation ID: 193736). Algorithms developed to predict the effect of missense changes on protein structure and function (SIFT, PolyPhen-2, Align-GVGD) all suggest that this variant is likely to be disruptive. Algorithms developed to predict the effect of sequence changes on RNA splicing suggest that this variant may create or strengthen a splice site. In summary, the available evidence is currently insufficient to determine the role of this variant in disease. Therefore, it has been classified as a Variant of Uncertain Significance.

Eurofins Ntd Llc (ga)
Classification: Uncertain significance. Last evaluated: 2018-03-08. Review status: criteria provided, single submitter. Criteria: EGL ClinVar v180209 classification definitions. Collection method: clinical testing. Allele origin: germline. Observed: 5 variant alleles, 5 heterozygotes.

Genetic Services Laboratory, University of Chicago
Classification: Uncertain significance. Last evaluated: 2017-11-01. Review status: criteria provided, single submitter. Criteria: ACMG Guidelines, 2015. Collection method: clinical testing. Allele origin: germline. Affected: no.

NM_022437.3(ABCG8):c.1486A>G (p.Lys496Glu)

Gene: ABCG8 (ATP binding cassette subfamily G member 8; plus strand). Cytogenetic location: 2p21.
Variant type: single nucleotide variant.
Coding change: c.1486A>G on transcript NM_022437.3 (MANE Select); coding-DNA position 1486, A replaced by G.
Protein change: p.Lys496Glu; replaces lysine 496 with glutamic acid.
Molecular consequence: missense variant.
Genome position (GRCh38, 1-based): chr2:43,874,481, A>G. VCF-style: chr2-43874481-A-G. GRCh37 (hg19) VCF-style: chr2-44101620-A-G.
Other names: c.1483A>G, p.Lys495Glu (NM_001357321.2); short protein forms K496E, K495E.
Identifiers: ClinVar variation 193736 (VCV000193736.18), dbSNP rs762225826, ClinGen allele CA239354.
Genomic context (GRCh38, chr2:43,874,481, plus strand): 5'-GCAATGCTTTACTATGAACTGGAAGACGGGCTGTACACCACTGGTCCATATTTCTTTGCC[A>G]AGGTGACTGGGCAGGGTTGAGAGCAAGTGCCCCCCACCCACCAGGGTGGGGGTAAGTGTG-3'
Protein context (NP_071882.1, residues 486-506): LYTTGPYFFA[Lys496Glu]ILGELPEHCA